The following is an entry in ClinVar:

NM_001034853.2(RPGR):c.2505_2506del (p.Glu836fs)

Gene: RPGR (retinitis pigmentosa GTPase regulator; minus strand). Cytogenetic location: Xp11.4.
Variant type: Deletion.
Coding change: c.2505_2506del on transcript NM_001034853.2 (MANE Select); coding-DNA positions 2505 to 2506, 2 bases deleted (GG; older notation c.2505_2506delGG).
Protein change: p.Glu836fs; shifts the reading frame from glutamic acid 836.
Molecular consequence: frameshift variant. On other transcripts: intron variant (8).
Genome position (GRCh38, 1-based): chrX:38,286,493-38,286,494, CC deleted on the plus strand (GG on the coding strand, the reverse complement: RPGR is on the minus strand); deleting any 2 consecutive bases within chrX:38,286,493-38,286,497 gives the same sequence; the c. name uses the placement nearest the transcript's 3' end. VCF-style (leftmost placement, unchanged base first): chrX-38286492-TCC-T. GRCh37 (hg19) VCF-style: chrX-38145745-TCC-T.
Other names: NM_001034853.2(RPGR):c.2505_2506del; p.Glu836fs; c.2505_2506delGG (NM_001034853.1); c.1569+4465_1569+4466del (NM_001367249.1, NM_001367250.1); c.1902+600_1902+601del (NM_001367245.1); c.1386+4465_1386+4466del (NM_001367251.1); c.1719+600_1719+601del (NM_001367246.1); c.1572+4465_1572+4466del (NM_001367247.1); and 2 more; short protein forms E836fs.
Identifiers: ClinVar variation 620583 (VCV000620583.5), dbSNP rs1569236971, ClinGen allele CA913190424.

ClinVar aggregate classification (germline): Pathogenic. Review status: reviewed by expert panel (3 of 4 stars). 4 submissions from 4 submitters: Pathogenic (1). 3 of the submissions do not count toward it. Last evaluated 2025-09-05.

Conditions:
RPGR-related retinopathy. Also called: RPGR retinopathy. Identifiers: MedGen CN305589, MONDO:0100437.
Retinitis pigmentosa 3. Also called: CHOROIDORETINAL DEGENERATION WITH RETINAL REFLEX IN HETEROZYGOUS WOMEN. Identifiers: Orphanet 791, MedGen C1845667, MONDO:0010227, OMIM 300029.

Submissions (4):

ClinGen X-linked Inherited Retinal Disease Variant Curation Expert Panel, ClinGen
Classification: Pathogenic for RPGR-related retinopathy. Last evaluated: 2025-09-05. Review status: reviewed by expert panel. Criteria: ClinGen X LinkedIRD ACMG Specifications RPGR V1.0.0. Collection method: curation. Allele origin: germline. Inheritance: X-linked inheritance.
Comment: NM_001034853.2(RPGR):c.2505_2506del (p.Glu836ArgfsTer?) is a frameshift variant due to a deletion of 2 nucleotides, introducing a premature stop codon in exon 15 of 15 after 241 amino acids that is predicted to disrupt a critical C-terminal region required for proper glutamylation of RPGR (PVS1, PMID: 36445968). This variant is absent from gnomAD v4.1.0 (PM2_Supporting). This variant has been reported in at least 3 apparently unrelated probands meeting one of the PS4 requirements of a male with some functional vision impairment by age 30 years (data shared by personal communication, PMID: 37446072, PMID: 14564670, PS4_Moderate). The variant has been reported to segregate in the hemizygous state with retinal dystrophy through 2 affected half brothers, with the shared mother noted to have poor night vision and untested but considered an obligate carrier of the variant (data shared by personal communication, PP1). In summary, this variant is classified as pathogenic for RPGR-related retinopathy based on the ClinGen X-linked Inherited Retinal Disease Expert Panel Specifications to the ACMG/AMP Variant Interpretation Guidelines for RPGR Version 1.0.0; PVS1, PS4_Moderate, PM2_Supporting, and PP1.

3billion
Classification: Likely pathogenic for Retinitis pigmentosa 3. Last evaluated: 2024-01-09. Review status: criteria provided, single submitter. Criteria: ACMG Guidelines, 2015. Collection method: clinical testing. Allele origin: germline. Affected: yes. Not counted in ClinVar's aggregate classification.
Comment: The variant is not observed in the gnomAD v2.1.1 dataset. Predicted Consequence/Location: Frameshift: predicted to result in a loss or disruption of normal protein function through protein truncation. The predicted truncated protein may be shortened by more than 10%. The variant has been reported at least twice as pathogenic without evidence for the classification (ClinVar ID: VCV000620583 /3billion dataset). Therefore, this variant is classified as Likely pathogenic according to the recommendation of ACMG/AMP guideline.

PreventionGenetics, part of Exact Sciences
Classification: Pathogenic. Last evaluated: 2019-04-08. Review status: criteria provided, single submitter. Criteria: ACMG Guidelines, 2015. Collection method: clinical testing. Allele origin: germline. Not counted in ClinVar's aggregate classification.

Molecular Diagnostics Laboratory, M Health Fairview: University of Minnesota
Classification: Pathogenic for Retinitis pigmentosa 3. Last evaluated: 2018-08-16. Review status: criteria provided, single submitter. Criteria: ACMG Guidelines, 2015. Collection method: clinical testing. Allele origin: germline. Affected: yes. Observed: 1 variant allele. Not counted in ClinVar's aggregate classification.

Literature cited by the submitters: PubMed 17195164 (cited by Molecular Diagnostics Laboratory, M Health Fairview: University of Minnesota); PubMed 10932196 (cited by Molecular Diagnostics Laboratory, M Health Fairview: University of Minnesota); PubMed 11754051 (cited by Molecular Diagnostics Laboratory, M Health Fairview: University of Minnesota).